The following is an entry in ClinVar:

ClinVar aggregate classification (germline): Uncertain significance. Review status: criteria provided, multiple submitters, no conflicts (2 of 4 stars). 3 submissions from 3 submitters: Uncertain significance (3). Last evaluated 2025-05-22.

Conditions:
RASopathy. Also called: rasopathies; Noonan spectrum disorder. Identifiers: Orphanet 536391, MedGen C5555857, MONDO:0021060.
Cardiovascular phenotype. Identifiers: MedGen CN230736.

Allele frequency attached by ClinVar (database versions not stated): gnomAD exomes below 0.00001; TOPMed 0.00002.
gnomAD v4.1: 5 of 1,614,112 alleles (0.00031%); highest among the groups gnomAD compares: African/African-American, 0.0013%; no homozygotes.

Submissions (3):

Labcorp Genetics (formerly Invitae), Labcorp
Classification: Uncertain significance for RASopathy. Last evaluated: 2025-05-22. Review status: criteria provided, single submitter. Criteria: Invitae Variant Classification Sherloc (09022015). Collection method: clinical testing. Allele origin: germline.
Comment: This sequence change replaces lysine, which is basic and polar, with arginine, which is basic and polar, at codon 597 of the CBL protein (p.Lys597Arg). This variant is not present in population databases (gnomAD no frequency). This variant has not been reported in the literature in individuals affected with CBL-related conditions. ClinVar contains an entry for this variant (Variation ID: 651843). Invitae Evidence Modeling of protein sequence and biophysical properties (such as structural, functional, and spatial information, amino acid conservation, physicochemical variation, residue mobility, and thermodynamic stability) indicates that this missense variant is not expected to disrupt CBL protein function with a negative predictive value of 95%. In summary, the available evidence is currently insufficient to determine the role of this variant in disease. Therefore, it has been classified as a Variant of Uncertain Significance.

Ambry Genetics
Classification: Uncertain significance for Cardiovascular phenotype. Last evaluated: 2024-03-22. Review status: criteria provided, single submitter. Criteria: Ambry Variant Classification Scheme 2023. Collection method: clinical testing. Allele origin: germline.
Comment: The p.K597R variant (also known as c.1790A>G), located in coding exon 11 of the CBL gene, results from an A to G substitution at nucleotide position 1790. The lysine at codon 597 is replaced by arginine, an amino acid with highly similar properties. This amino acid position is conserved. In addition, this alteration is predicted to be tolerated by in silico analysis. Based on the available evidence, the clinical significance of this alteration remains unclear.

Blueprint Genetics
Classification: Uncertain significance. Last evaluated: 2021-12-29. Review status: criteria provided, single submitter. Criteria: ACMG Guidelines, 2015. Collection method: clinical testing. Allele origin: germline.

NM_005188.4(CBL):c.1790A>G (p.Lys597Arg)

Gene: CBL (Cbl proto-oncogene; plus strand). Cytogenetic location: 11q23.3.
Variant type: single nucleotide variant.
Coding change: c.1790A>G on transcript NM_005188.4 (MANE Select); coding-DNA position 1790, A replaced by G.
Protein change: p.Lys597Arg; replaces lysine 597 with arginine.
Molecular consequence: missense variant.
Genome position (GRCh38, 1-based): chr11:119,285,415, A>G. VCF-style: chr11-119285415-A-G. GRCh37 (hg19) VCF-style: chr11-119156125-A-G.
Other names: c.1790A>G (NM_005188.2); short protein forms K597R.
Identifiers: ClinVar variation 651843 (VCV000651843.10), dbSNP rs1363189852, ClinGen allele CA382920371.